The following is an entry in ClinVar:

ClinVar aggregate classification (germline): Uncertain significance (1 of 4 stars; one submission).

Conditions:
ZTTK syndrome (ZTTKS). Also called: ZTTK MULTIPLE CONGENITAL ANOMALIES-MENTAL RETARDATION SYNDROME; Zhu-Tokita-Takenouchi-Kim Syndrome. Identifiers: Orphanet 500150, MedGen C4310696, MONDO:0014936, OMIM 617140.

Allele frequency attached by ClinVar (database versions not stated): gnomAD 0.00001; gnomAD exomes 0.00001; TOPMed 0.00001.
gnomAD v4.1: 17 of 1,613,362 alleles (0.0011%); highest among the groups gnomAD compares: Non-Finnish European, 0.0014%; no homozygotes.

Submission:

Baylor Genetics
Classification: Uncertain significance for ZTTK syndrome. Last evaluated: 2019-12-04. Review status: criteria provided, single submitter. Criteria: ACMG Guidelines, 2015. Collection method: clinical testing. Allele origin: unknown. Affected: yes.
Comment: This variant was determined to be of uncertain significance according to ACMG Guidelines, 2015 [PMID:25741868].

NM_138927.4(SON):c.4901C>T (p.Thr1634Ile)

Gene: SON (SON DNA and RNA binding protein; plus strand). Cytogenetic location: 21q22.11.
Variant type: single nucleotide variant.
Coding change: c.4901C>T on transcript NM_138927.4 (MANE Select); coding-DNA position 4901, C replaced by T.
Protein change: p.Thr1634Ile; replaces threonine 1634 with isoleucine.
Molecular consequence: missense variant. On other transcripts: non-coding transcript variant (1), intron variant (1).
Genome position (GRCh38, 1-based): chr21:33,554,132, C>T. VCF-style: chr21-33554132-C-T. GRCh37 (hg19) VCF-style: chr21-34926438-C-T.
Other names: c.4901C>T, p.Thr1634Ile (NM_001291411.2, NM_032195.3); c.245-3024C>T (NM_001291412.3); short protein forms T1634I.
Identifiers: ClinVar variation 1030014 (VCV001030014.1), dbSNP rs1038263767, ClinGen allele CA320153668.
Genomic context (GRCh38, chr21:33,554,132, plus strand): 5'-TTACCACAGCATCTACTCTCAGTTTAGTTAATAAATATGATGTTGATTTATCTTTAACTA[C>T]TCAAGATACTGAACATGACATGGTAATTTCCACCAGTCCTAGTGGTGGTAGTGAAGCTGA-3'
Protein context (NP_620305.3, residues 1624-1644): NKYDVDLSLT[Thr1634Ile]QDTEHDMVIS